The following is an entry in ClinVar:

NM_001040142.2(SCN2A):c.4822+1G>T

Gene: SCN2A (sodium voltage-gated channel alpha subunit 2; plus strand). Cytogenetic location: 2q24.3.
Variant type: single nucleotide variant.
Coding change: c.4822+1G>T on transcript NM_001040142.2 (MANE Select); the canonical splice donor site of the intron after coding-DNA position 4822, G replaced by T.
Molecular consequence: splice donor variant.
Genome position (GRCh38, 1-based): chr2:165,387,017, G>T. VCF-style: chr2-165387017-G-T. GRCh37 (hg19) VCF-style: chr2-166243527-G-T.
Other names: c.4822+1G>T (NM_001040143.2, NM_001371246.1, NM_001371247.1 and 1 more transcripts).
Identifiers: ClinVar variation 2951900 (VCV002951900.3), dbSNP rs2468150265, ClinGen allele CA349036981.

ClinVar aggregate classification (germline): Pathogenic (1 of 4 stars; one submission).

Conditions:
Developmental and epileptic encephalopathy, 11 (DEE11). Also called: Early infantile epileptic encephalopathy 11. Identifiers: Orphanet 1934, MedGen C3150987, MONDO:0013388, OMIM 613721.
Seizures, benign familial infantile, 3 (BFIS3). Also called: Familial neonatal seizures; CONVULSIONS, BENIGN FAMILIAL INFANTILE, 3. Identifiers: Orphanet 140927, Orphanet 306, MedGen C1843140, MONDO:0011904, OMIM 607745.

Submission:

Labcorp Genetics (formerly Invitae), Labcorp
Classification: Pathogenic for Seizures, benign familial infantile, 3; Developmental and epileptic encephalopathy, 11. Last evaluated: 2023-09-13. Review status: criteria provided, single submitter. Criteria: Invitae Variant Classification Sherloc (09022015). Collection method: clinical testing. Allele origin: germline.
Comment: This sequence change affects a donor splice site in intron 26 of the SCN2A gene. While this variant is not anticipated to result in nonsense mediated decay, it likely alters RNA splicing and results in a disrupted protein product. This variant is not present in population databases (gnomAD no frequency). This variant has not been reported in the literature in individuals affected with SCN2A-related conditions. Variants that disrupt the consensus splice site are a relatively common cause of aberrant splicing (PMID: 17576681, 9536098). Algorithms developed to predict the effect of sequence changes on RNA splicing suggest that this variant may disrupt the consensus splice site. This variant disrupts a region of the SCN2A protein in which other variant(s) (p.Glu1803*) have been determined to be pathogenic (Invitae). This suggests that this is a clinically significant region of the protein, and that variants that disrupt it are likely to be disease-causing. For these reasons, this variant has been classified as Pathogenic.

Literature cited by the submitters: PubMed 17576681; PubMed 9536098.